The following is an entry in ClinVar:

ClinVar aggregate classification (germline): Pathogenic (1 of 4 stars; one submission).

Allele frequency attached by ClinVar (database versions not stated): gnomAD exomes below 0.00001.
gnomAD v4.1: 1 of 1,612,208 alleles (0.000062%); highest among the groups gnomAD compares: Non-Finnish European, 0.000085%; no homozygotes.

Submission:

Labcorp Genetics (formerly Invitae), Labcorp
Classification: Pathogenic. Last evaluated: 2026-01-08. Review status: criteria provided, single submitter. Criteria: Invitae Variant Classification Sherloc (09022015). Collection method: clinical testing. Allele origin: germline.
Comment: This sequence change creates a premature translational stop signal (p.Arg684*) in the ADAMTS10 gene. It is expected to result in an absent or disrupted protein product. Loss-of-function variants in ADAMTS10 are known to be pathogenic (PMID: 15368195, 18567016). This variant is not present in population databases (gnomAD no frequency). This variant has not been reported in the literature in individuals affected with ADAMTS10-related conditions. ClinVar contains an entry for this variant (Variation ID: 2164100). For these reasons, this variant has been classified as Pathogenic.

Literature cited by the submitters: PubMed 15368195; PubMed 18567016.

NM_030957.4(ADAMTS10):c.2050C>T (p.Arg684Ter)

Gene: ADAMTS10 (ADAM metallopeptidase with thrombospondin type 1 motif 10; minus strand). Cytogenetic location: 19p13.2.
Variant type: single nucleotide variant.
Coding change: c.2050C>T on transcript NM_030957.4 (MANE Select); coding-DNA position 2050, C replaced by T.
Protein change: p.Arg684Ter; replaces arginine 684 with a stop codon.
Molecular consequence: nonsense.
Genome position (GRCh38, 1-based): chr19:8,589,350, G>A on the plus strand (C>T on the coding strand, the complement: ADAMTS10 is on the minus strand). VCF-style: chr19-8589350-G-A. GRCh37 (hg19) VCF-style: chr19-8654234-G-A.
Other names: c.511C>T, p.Arg171Ter (NM_001282352.2); short protein forms R684*, R171*.
Identifiers: ClinVar variation 2164100 (VCV002164100.4), dbSNP rs2512591789, ClinGen allele CA403750646.
Genomic context (GRCh38, chr19:8,589,350, plus strand): 5'-CACTGCCGTCACCGCCACACACTCGGCACTTGTCCTCCCGCAGGTCGGAGCCCAGGACTC[G>A]GTCGCAGCCCACGTGCTGCGTGGAGAAGGCGTGAGTGAGGCGACCCCCTAACCCACCCCC-3'